The following is an entry in ClinVar:

ClinVar aggregate classification (germline): Conflicting classifications of pathogenicity. Review status: criteria provided, conflicting classifications (1 of 4 stars). 4 submissions from 4 submitters: Uncertain significance (2); Benign (1); Likely benign (1). Last evaluated 2026-01-12.

Conditions:
Inborn genetic diseases. Identifiers: MedGen C0950123, MeSH D030342.
Epiphyseal dysplasia, multiple, 2 (EDM2). Also called: COL9A2-Related Multiple Epiphyseal Dysplasia. Identifiers: MedGen C1838429, MONDO:0010844, OMIM 600204.
Stickler syndrome, type 5 (STL5). Also called: COL9A2-Related Stickler Syndrome. Identifiers: Orphanet 250984, Orphanet 828, MedGen C3280342, MONDO:0013666, OMIM 614284.

Allele frequency attached by ClinVar (database versions not stated): gnomAD 0.00006; ESP Exome Variant Server 0.00008; TOPMed 0.00018; ExAC 0.00054.
gnomAD v4.1: 211 of 1,550,518 alleles (0.014%); highest among the groups gnomAD compares: Middle Eastern, 0.033%; no homozygotes.

Submissions (4):

Labcorp Genetics (formerly Invitae), Labcorp
Classification: Benign. Last evaluated: 2026-01-12. Review status: criteria provided, single submitter. Criteria: Invitae Variant Classification Sherloc (09022015). Collection method: clinical testing. Allele origin: germline.

GeneDx
Classification: Uncertain significance. Last evaluated: 2025-07-14. Review status: criteria provided, single submitter. Criteria: GeneDx Variant Classification Process June 2021. Collection method: clinical testing. Allele origin: germline. Affected: yes.
Comment: Has not been previously published as pathogenic or benign to our knowledge; In silico analysis supports that this missense variant has a deleterious effect on protein structure/function

Ambry Genetics
Classification: Uncertain significance for Inborn genetic diseases. Last evaluated: 2022-09-26. Review status: criteria provided, single submitter. Criteria: Ambry Variant Classification Scheme 2023. Collection method: clinical testing. Allele origin: germline.

Illumina Laboratory Services, Illumina
Classification: Likely benign for Epiphyseal dysplasia, multiple, 2. Last evaluated: 2018-01-13. Review status: criteria provided, single submitter. Criteria: ICSL Variant Classification Criteria 13 December 2019. Collection method: clinical testing. Allele origin: germline.
Comment: This variant was observed in the ICSL laboratory as part of a predisposition screen in an ostensibly healthy population. It had not been previously curated by ICSL or reported in the Human Gene Mutation Database (HGMD: prior to June 1st, 2018), and was therefore a candidate for classification through an automated scoring system. Utilizing variant allele frequency, disease prevalence and penetrance estimates, and inheritance mode, an automated score was calculated to assess if this variant is too frequent to cause the disease. Based on the score and internal cut-off values, a variant classified as likely benign is not then subjected to further curation. The score for this variant resulted in a classification of likely benign for this disease.

NM_001852.4(COL9A2):c.1123C>G (p.Arg375Gly)

Gene: COL9A2 (collagen type IX alpha 2 chain; minus strand). Cytogenetic location: 1p34.2.
Variant type: single nucleotide variant.
Coding change: c.1123C>G on transcript NM_001852.4 (MANE Select); coding-DNA position 1123, C replaced by G.
Protein change: p.Arg375Gly; replaces arginine 375 with glycine.
Molecular consequence: missense variant.
Genome position (GRCh38, 1-based): chr1:40,304,832, G>C on the plus strand (C>G on the coding strand, the complement: COL9A2 is on the minus strand). VCF-style: chr1-40304832-G-C. GRCh37 (hg19) VCF-style: chr1-40770504-G-C.
Other names: short protein forms R375G.
Identifiers: ClinVar variation 297302 (VCV000297302.21), dbSNP rs375476174, ClinGen allele CA791577.